The following is an entry in ClinVar:

NM_002185.5(IL7R):c.82+3del

Gene: IL7R (interleukin 7 receptor; plus strand). Cytogenetic location: 5p13.2.
Variant type: Deletion.
Coding change: c.82+3del on transcript NM_002185.5 (MANE Select); 3 bases into the intron after coding-DNA position 82, one base deleted (G; older notation c.82+3delG).
Molecular consequence: intron variant.
Genome position (GRCh38, 1-based): chr5:35,857,062, G deleted. VCF-style (leftmost placement, unchanged base first): chr5-35857061-TG-T. GRCh37 (hg19) VCF-style: chr5-35857163-TG-T.
Identifiers: ClinVar variation 963341 (VCV000963341.5), dbSNP rs770563855, ClinGen allele CA116953154.
Genomic context (GRCh38, chr5:35,857,061, plus strand): 5'-TGGCATGGTTTTTTCTTTACTTCAAGTCGTTTCTGGAGAAAGTGGCTATGCTCAAAATGG[TG>T]AGTCATTTCTAAGTTTTCTTATGGATTTTGGATTATCTGTAGCATGGTTTCAGGTTATTC-3'

ClinVar aggregate classification (germline): Uncertain significance (1 of 4 stars; one submission).

Conditions:
Immunodeficiency 104. Also called: Severe combined immunodeficiency, autosomal recessive, T cell-negative, B cell-positive, NK cell-positive; IMMUNODEFICIENCY 104, SEVERE COMBINED; Severe Combined Immune Deficiency, Autosomal Recessive, TCell -Negative, B Cell-Positive, NK Cell-Positive, IL7R-Related; SCID, AUTOSOMAL RECESSIVE, T CELL-NEGATIVE, B CELL-POSITIVE, NK CELL-POSITIVE. Identifiers: MedGen C5676890, MONDO:0012163, OMIM 608971.

Allele frequency attached by ClinVar (database versions not stated): gnomAD exomes below 0.00001.

Submission:

Labcorp Genetics (formerly Invitae), Labcorp
Classification: Uncertain significance for Immunodeficiency 104. Last evaluated: 2022-08-15. Review status: criteria provided, single submitter. Criteria: Invitae Variant Classification Sherloc (09022015). Collection method: clinical testing. Allele origin: germline.
Comment: This sequence change falls in intron 1 of the IL7R gene. It does not directly change the encoded amino acid sequence of the IL7R protein. It affects a nucleotide within the consensus splice site. This variant is present in population databases (rs770563855, gnomAD 0.0009%). This variant has not been reported in the literature in individuals affected with IL7R-related conditions. ClinVar contains an entry for this variant (Variation ID: 963341). Variants that disrupt the consensus splice site are a relatively common cause of aberrant splicing (PMID: 17576681, 9536098). Algorithms developed to predict the effect of sequence changes on RNA splicing suggest that this variant may disrupt the consensus splice site. In summary, the available evidence is currently insufficient to determine the role of this variant in disease. Therefore, it has been classified as a Variant of Uncertain Significance.

Literature cited by the submitters: PubMed 17576681; PubMed 9536098.